The following is an entry in ClinVar:

NM_000038.6(APC):c.2584A>G (p.Asn862Asp)

Gene: APC (APC regulator of Wnt signaling pathway; plus strand). Cytogenetic location: 5q22.2.
Variant type: single nucleotide variant.
Coding change: c.2584A>G on transcript NM_000038.6 (MANE Select); coding-DNA position 2584, A replaced by G.
Protein change: p.Asn862Asp; replaces asparagine 862 with aspartic acid.
Molecular consequence: missense variant.
Genome position (GRCh38, 1-based): chr5:112,838,178, A>G. VCF-style: chr5-112838178-A-G. GRCh37 (hg19) VCF-style: chr5-112173875-A-G.
Other names: c.2584A>G, p.Asn862Asp (NM_001127510.3, NM_001354895.2); c.2530A>G, p.Asn844Asp (NM_001127511.3); c.2638A>G, p.Asn880Asp (NM_001354896.2); c.2614A>G, p.Asn872Asp (NM_001354897.2); c.2509A>G, p.Asn837Asp (NM_001354898.2); c.2500A>G, p.Asn834Asp (NM_001354899.2); c.2461A>G, p.Asn821Asp (NM_001354900.2); c.2407A>G, p.Asn803Asp (NM_001354901.2); and 5 more; short protein forms N844D, N862D, N834D, N837D, N880D, N579D, N803D, N821D.
Identifiers: ClinVar variation 411453 (VCV000411453.18), dbSNP rs755221428, ClinGen allele CA032611.

ClinVar aggregate classification (germline): Uncertain significance. Review status: criteria provided, multiple submitters, no conflicts (2 of 4 stars). 4 submissions from 4 submitters: Uncertain significance (4). Last evaluated 2025-04-26.

Conditions:
Familial adenomatous polyposis 1 (FAP1). Also called: FAMILIAL ADENOMATOUS POLYPOSIS 1, ATTENUATED; POLYPOSIS, ADENOMATOUS INTESTINAL. Identifiers: MedGen C2713442, MONDO:0021056, OMIM 175100. Disease mechanism: loss of function.
Hereditary cancer-predisposing syndrome. Also called: Tumor predisposition; Hereditary Cancer Syndrome; Hereditary neoplastic syndrome; Neoplastic Syndromes, Hereditary. Identifiers: Orphanet 140162, MedGen C0027672, MeSH D009386, MONDO:0015356.

Allele frequency attached by ClinVar (database versions not stated): gnomAD exomes 0.00001; ExAC 0.00002.
gnomAD v4.1: 13 of 1,614,194 alleles (0.00081%); highest among the groups gnomAD compares: Non-Finnish European, 0.0011%; no homozygotes.

Submissions (4):

Labcorp Genetics (formerly Invitae), Labcorp
Classification: Uncertain significance for Familial adenomatous polyposis 1. Last evaluated: 2025-04-26. Review status: criteria provided, single submitter. Criteria: Invitae Variant Classification Sherloc (09022015). Collection method: clinical testing. Allele origin: germline.
Comment: This sequence change replaces asparagine, which is neutral and polar, with aspartic acid, which is acidic and polar, at codon 862 of the APC protein (p.Asn862Asp). This variant is present in population databases (rs755221428, gnomAD 0.002%). This variant has not been reported in the literature in individuals affected with APC-related conditions. ClinVar contains an entry for this variant (Variation ID: 411453). Invitae Evidence Modeling of protein sequence and biophysical properties (such as structural, functional, and spatial information, amino acid conservation, physicochemical variation, residue mobility, and thermodynamic stability) indicates that this missense variant is not expected to disrupt APC protein function with a negative predictive value of 95%. In summary, the available evidence is currently insufficient to determine the role of this variant in disease. Therefore, it has been classified as a Variant of Uncertain Significance.

Molecular Pathology, Peter Maccallum Cancer Centre
Classification: Uncertain significance for Familial adenomatous polyposis 1. Last evaluated: 2024-12-30. Review status: criteria provided, single submitter. Criteria: ACMG Guidelines, 2015. Collection method: clinical testing. Allele origin: germline. Inheritance: Autosomal dominant inheritance.

Color Diagnostics, LLC DBA Color Health
Classification: Uncertain significance for Hereditary cancer-predisposing syndrome. Last evaluated: 2024-03-06. Review status: criteria provided, single submitter. Criteria: ACMG Guidelines, 2015. Collection method: clinical testing. Allele origin: germline.
Comment: This missense variant replaces asparagine with aspartic acid at codon 862 of the APC protein. Computational prediction suggests that this variant may not impact protein structure and function (internally defined REVEL score threshold <= 0.5, PMID: 27666373). To our knowledge, functional studies have not been reported for this variant. This variant has not been reported in individuals affected with hereditary cancer in the literature. This variant has been identified in 2/251106 chromosomes in the general population by the Genome Aggregation Database (gnomAD). The available evidence is insufficient to determine the role of this variant in disease conclusively. Therefore, this variant is classified as a Variant of Uncertain Significance.

Ambry Genetics
Classification: Uncertain significance for Hereditary cancer-predisposing syndrome. Last evaluated: 2023-11-17. Review status: criteria provided, single submitter. Criteria: Ambry Variant Classification Scheme 2023. Collection method: clinical testing. Allele origin: germline.
Comment: The p.N862D variant (also known as c.2584A>G), located in coding exon 15 of the APC gene, results from an A to G substitution at nucleotide position 2584. The asparagine at codon 862 is replaced by aspartic acid, an amino acid with highly similar properties. This amino acid position is poorly conserved in available vertebrate species. In addition, in silico predictors for this gene do not accurately predict pathogenicity. Since supporting evidence is limited at this time, the clinical significance of this alteration remains unclear.